The following is an entry in ClinVar:

ClinVar aggregate classification (germline): Uncertain significance (1 of 4 stars; one submission).

Conditions:
Congenital heart defects and ectodermal dysplasia (CHDED). Identifiers: MedGen C4479250, MONDO:0044303, OMIM 617364.

Allele frequency attached by ClinVar (database versions not stated): TOPMed 0.00001; gnomAD 0.00002; gnomAD exomes 0.00002.
gnomAD v4.1: 29 of 1,613,928 alleles (0.0018%); highest among the groups gnomAD compares: Non-Finnish European, 0.0024%; no homozygotes.

Submission:

Victorian Clinical Genetics Services, Murdoch Childrens Research Institute
Classification: Uncertain significance for Congenital heart defects and ectodermal dysplasia. Last evaluated: 2022-02-02. Review status: criteria provided, single submitter. Criteria: ACMG Guidelines, 2015. Collection method: clinical testing. Allele origin: germline. Inheritance: Autosomal dominant inheritance. Affected: yes.
Comment: Based on the classification scheme VCGS_Germline_v1.3.4, this variant is classified as VUS-3B. Following criteria are met: 0105 - The mechanism of disease for this gene is not clearly established. (I) 0107 - This gene is associated with autosomal dominant disease. (I) 0200 - Variant is predicted to result in a missense amino acid change from threonine to isoleucine. (I) 0251 - This variant is heterozygous. (I) 0302 - Variant is present in gnomAD (v3) <0.001 for a dominant condition (3 heterozygotes, 0 homozygotes). (SP) 0501 - Missense variant consistently predicted to be damaging by multiple in silico tools and highly conserved with a moderate amino acid change. (SP) 0600 - Variant is located in the annotated protein kinase C conserved region (C1 domain) and is adjacent to a zinc binding residue (NCBI). (I) 0705 - No comparable missense variants have previous evidence for pathogenicity. (I) 0807 - This variant has no previous evidence of pathogenicity. (I) 0905 - No published segregation evidence has been identified for this variant. (I) 1007 - No published functional evidence has been identified for this variant. (I) Legend: (SP) - Supporting pathogenic, (I) - Information, (SB) - Supporting benign

NM_002742.3(PRKD1):c.815C>T (p.Thr272Ile)

Gene: PRKD1 (protein kinase D1; minus strand). Cytogenetic location: 14q12.
Variant type: single nucleotide variant.
Coding change: c.815C>T on transcript NM_002742.3 (MANE Select); coding-DNA position 815, C replaced by T.
Protein change: p.Thr272Ile; replaces threonine 272 with isoleucine.
Molecular consequence: missense variant.
Genome position (GRCh38, 1-based): chr14:29,638,786, G>A on the plus strand (C>T on the coding strand, the complement: PRKD1 is on the minus strand). VCF-style: chr14-29638786-G-A. GRCh37 (hg19) VCF-style: chr14-30107992-G-A.
Other names: c.839C>T, p.Thr280Ile (NM_001330069.2); c.551C>T, p.Thr184Ile (NM_001348390.1); short protein forms T184I, T272I, T280I.
Identifiers: ClinVar variation 1805316 (VCV001805316.1), dbSNP rs776884682, ClinGen allele CA257953768.
Genomic context (GRCh38, chr14:29,638,786, plus strand): 5'-TTCAGAAGCTTCTTGCAGTACTGGCACACTGTGGGCCGGGTGTAGGAGTGGATGACAAAT[G>A]TGTGCGGCACTTTAACTTTAGACATCAAAATCTTGTCAAGGTGAATTGGTCGTCCAATGT-3'
Protein context (NP_002733.2, residues 262-282): ILMSKVKVPH[Thr272Ile]FVIHSYTRPT